The following is an entry in ClinVar:

ClinVar aggregate classification (germline): Uncertain significance. Review status: criteria provided, multiple submitters, no conflicts (2 of 4 stars). 2 submissions from 2 submitters: Uncertain significance (2). Last evaluated 2026-05-26.

Conditions:
PCNT-related disorder. Also called: PCNT-related condition.

Allele frequency attached by ClinVar (database versions not stated): ExAC 0.00041; ESP Exome Variant Server 0.00046; gnomAD exomes 0.00055.
gnomAD v4.1: 1,146 of 1,613,988 alleles (0.071%); highest among the groups gnomAD compares: Non-Finnish European, 0.087%; 3 homozygotes.

Submissions (2):

PreventionGenetics, part of Exact Sciences
Classification: Uncertain significance for PCNT-related condition. Last evaluated: 2026-05-26. Review status: criteria provided, single submitter. Criteria: ACMG Guidelines, 2015. Collection method: clinical testing. Allele origin: germline.
Comment: The PCNT c.8431G>T variant is predicted to result in the amino acid substitution p.Val2811Leu. This variant has been reported in the heterozygous state in individuals from two families with subarachnoid hemorrhages or intracranial aneurysm (Figure 1, Families #7019 and #8159, Lorenzo-Betancor et al. 2018. PubMed ID: 30413633). Bakker et al. suggests that this variant does not play a clinically relevant role for intracranial aneurysms, as this variant was only identified in 1 of 971 patients with intracranial aneurysms (Bakker et al. 2021. PubMed ID: 34167329). This variant is reported in 0.092% of alleles in individuals of European (Finnish) descent in gnomAD, which may be too frequent to be a primary cause of disease. Although we suspect that this variant may be benign, at this time, the clinical significance of this variant is uncertain due to the absence of conclusive functional and genetic evidence.

Labcorp Genetics (formerly Invitae), Labcorp
Classification: Uncertain significance. Last evaluated: 2022-10-13. Review status: criteria provided, single submitter. Criteria: Invitae Variant Classification Sherloc (09022015). Collection method: clinical testing. Allele origin: germline.
Comment: This sequence change replaces valine, which is neutral and non-polar, with leucine, which is neutral and non-polar, at codon 2811 of the PCNT protein (p.Val2811Leu). This variant is present in population databases (rs144757781, gnomAD 0.08%), and has an allele count higher than expected for a pathogenic variant. This variant has not been reported in the literature in individuals affected with PCNT-related conditions. ClinVar contains an entry for this variant (Variation ID: 1504903). Algorithms developed to predict the effect of missense changes on protein structure and function output the following: SIFT: "Tolerated"; PolyPhen-2: "Benign"; Align-GVGD: "Class C0". The leucine amino acid residue is found in multiple mammalian species, which suggests that this missense change does not adversely affect protein function. In summary, the available evidence is currently insufficient to determine the role of this variant in disease. Therefore, it has been classified as a Variant of Uncertain Significance.

NM_006031.6(PCNT):c.8431G>T (p.Val2811Leu)

Gene: PCNT (pericentrin; plus strand). Cytogenetic location: 21q22.3.
Variant type: single nucleotide variant.
Coding change: c.8431G>T on transcript NM_006031.6 (MANE Select); coding-DNA position 8431, G replaced by T.
Protein change: p.Val2811Leu; replaces valine 2811 with leucine.
Molecular consequence: missense variant.
Genome position (GRCh38, 1-based): chr21:46,431,895, G>T. VCF-style: chr21-46431895-G-T. GRCh37 (hg19) VCF-style: chr21-47851809-G-T.
Other names: c.8077G>T, p.Val2693Leu (NM_001315529.2); c.8431G>T (NM_006031.5); short protein forms V2693L, V2811L.
Identifiers: ClinVar variation 1504903 (VCV001504903.7), dbSNP rs144757781, ClinGen allele CA10080968.
Genomic context (GRCh38, chr21:46,431,895, plus strand): 5'-CTGCAGAAGCTGAAGGAGGAGAAGTCCCGGGTGGTGGACTTGCAAGCGATGCTTGAAAAG[G>T]TGCAGCAGCAAGCCCTGCATTCTCAGCAGCAGCTTGAGGCTGAGGCTCAGAAGCACTGTG-3'
Protein context (NP_006022.3, residues 2801-2821): VVDLQAMLEK[Val2811Leu]QQQALHSQQQ